The following is an entry in ClinVar:

ClinVar aggregate classification (germline): Pathogenic/Likely pathogenic. Review status: criteria provided, multiple submitters, no conflicts (2 of 4 stars). 6 submissions from 6 submitters: Pathogenic (4); Likely pathogenic (1). 1 of the submissions does not count toward it. Last evaluated 2026-01-05.

Conditions:
FGFR2-related disorder. Identifiers: MedGen CN380096.
FGFR2-related craniosynostosis. Identifiers: MedGen CN231480.
Crouzon syndrome. Also called: CRANIOFACIAL DYSOSTOSIS, TYPE I; Craniofacial dysostosis type 1; Crouzon craniofacial dysostosis; Crouzon disease; Craniofacial dysostosis. Identifiers: Orphanet 207, MedGen C0010273, MeSH D003394, MONDO:0007405, OMIM 123500, HP:0004439.

Allele frequency attached by ClinVar (database versions not stated): TOPMed below 0.00001.

Submissions (6):

GeneDx
Classification: Likely pathogenic. Last evaluated: 2026-01-05. Review status: criteria provided, single submitter. Criteria: GeneDx Variant Classification Process June 2021. Collection method: clinical testing. Allele origin: germline. Affected: yes.
Comment: Not observed at significant frequency in large population cohorts (gnomAD); In silico analysis supports that this missense variant has a deleterious effect on protein structure/function; This variant is associated with the following publications: (PMID: 23754559, 33480273, 27481450, 7874170, 23913723, 27028366, 39906733)

PreventionGenetics, part of Exact Sciences
Classification: Pathogenic for FGFR2-related condition. Last evaluated: 2025-11-14. Review status: criteria provided, single submitter. Criteria: ACMG Guidelines, 2015. Collection method: clinical testing. Allele origin: germline.
Comment: The FGFR2 c.983A>G variant is predicted to result in the amino acid substitution p.Tyr328Cys. This variant has been reported in at least six individual with Crouzon syndrome (CS) (see, for example, Jabs et al. 1994. PubMed ID: 7874170; Hibberd et al. 2016. PubMed ID: 27481450; Fernandes et al. 2016. PubMed ID: 27028366; Tiberio et al. 2024. PubMed ID: 39906733). It has been shown to segregate with disease in a family with Crouzon syndrome (Internal Data; PreventionGenetics). This variant has not been reported in a large population database (gnomAD), indicating this variant is rare. This variant is interpreted as pathogenic.

Labcorp Genetics (formerly Invitae), Labcorp
Classification: Pathogenic for FGFR2-related craniosynostosis. Last evaluated: 2024-02-23. Review status: criteria provided, single submitter. Criteria: Invitae Variant Classification Sherloc (09022015). Collection method: clinical testing. Allele origin: germline.
Comment: This sequence change replaces tyrosine, which is neutral and polar, with cysteine, which is neutral and slightly polar, at codon 328 of the FGFR2 protein (p.Tyr328Cys). This variant is not present in population databases (gnomAD no frequency). This missense change has been observed in individuals with Crouzon syndrome (PMID: 7874170, 27028366, 27481450). It has also been observed to segregate with disease in related individuals. This variant is also known as c.938G>A. ClinVar contains an entry for this variant (Variation ID: 13270). Advanced modeling of protein sequence and biophysical properties (such as structural, functional, and spatial information, amino acid conservation, physicochemical variation, residue mobility, and thermodynamic stability) performed at Invitae indicates that this missense variant is expected to disrupt FGFR2 protein function with a positive predictive value of 95%. For these reasons, this variant has been classified as Pathogenic.

Blueprint Genetics
Classification: Pathogenic for FGFR2-related disorders. Last evaluated: 2023-02-16. Review status: criteria provided, single submitter. Criteria: ACMG Guidelines, 2015. Collection method: clinical testing. Allele origin: germline. Affected: yes. Observed: 3 variant alleles.

Genomic Diagnostic Laboratory, Division of Genomic Diagnostics, Children's Hospital of Philadelphia
Classification: Pathogenic for Crouzon syndrome. Last evaluated: 2016-09-17. Review status: criteria provided, single submitter. Criteria: DGD Variant Analysis Guidelines. Collection method: clinical testing. Allele origin: germline. Affected: yes. Observed: 4 variant alleles.
Comment: Clinical Testing

OMIM
Classification: Pathogenic for CROUZON SYNDROME. Last evaluated: 1994-11-01. Review status: no assertion criteria provided. Collection method: literature only. Allele origin: germline. Not counted in ClinVar's aggregate classification.

Literature cited by the submitters: PubMed 7874170 (cited by Labcorp Genetics (formerly Invitae), Labcorp and OMIM); PubMed 27028366 (cited by Labcorp Genetics (formerly Invitae), Labcorp); PubMed 27481450 (cited by Labcorp Genetics (formerly Invitae), Labcorp).

NM_000141.5(FGFR2):c.983A>G (p.Tyr328Cys)

Gene: FGFR2 (fibroblast growth factor receptor 2; minus strand). Cytogenetic location: 10q26.13.
Variant type: single nucleotide variant.
Coding change: c.983A>G on transcript NM_000141.5 (MANE Select); coding-DNA position 983, A replaced by G.
Protein change: p.Tyr328Cys; replaces tyrosine 328 with cysteine.
Molecular consequence: missense variant. On other transcripts: non-coding transcript variant (1), intron variant (5).
Genome position (GRCh38, 1-based): chr10:121,517,420, T>C on the plus strand (A>G on the coding strand, the complement: FGFR2 is on the minus strand). VCF-style: chr10-121517420-T-C. GRCh37 (hg19) VCF-style: chr10-123276934-T-C.
Other names: c.716A>G, p.Tyr239Cys (NM_001144915.2, NM_023029.3); c.638A>G, p.Tyr213Cys (NM_001144916.2, NM_001144918.2); c.299A>G, p.Tyr100Cys (NM_001320654.2); c.983A>G, p.Tyr328Cys (NM_001320658.2); c.749-2101A>G (NM_001144914.1); c.939+2559A>G (NM_001144917.2); c.1087+1262A>G (NM_022970.4, NM_001144913.1); c.820+1262A>G (NM_001144919.2); short protein forms Y328C, Y100C, Y213C, Y239C.
Identifiers: ClinVar variation 13270 (VCV000013270.17), dbSNP rs121918493, ClinGen allele CA280172.